The following is an entry in ClinVar:

ClinVar aggregate classification (germline): Uncertain significance (1 of 4 stars; one submission).

Conditions:
Charcot-Marie-Tooth disease type 2E (CMT2E). Also called: CHARCOT-MARIE-TOOTH DISEASE, AXONAL, TYPE 2E; CHARCOT-MARIE-TOOTH NEUROPATHY, TYPE 2E. Identifiers: Orphanet 99939, MedGen C1843225, MONDO:0011894, OMIM 607684.

Submission:

Labcorp Genetics (formerly Invitae), Labcorp
Classification: Uncertain significance for Charcot-Marie-Tooth disease type 2E. Last evaluated: 2024-01-15. Review status: criteria provided, single submitter. Criteria: Invitae Variant Classification Sherloc (09022015). Collection method: clinical testing. Allele origin: germline.
Comment: This sequence change replaces arginine, which is basic and polar, with serine, which is neutral and polar, at codon 196 of the NEFL protein (p.Arg196Ser). This variant is not present in population databases (gnomAD no frequency). This variant has not been reported in the literature in individuals affected with NEFL-related conditions. Advanced modeling of protein sequence and biophysical properties (such as structural, functional, and spatial information, amino acid conservation, physicochemical variation, residue mobility, and thermodynamic stability) performed at Invitae indicates that this missense variant is expected to disrupt NEFL protein function with a positive predictive value of 80%. In summary, the available evidence is currently insufficient to determine the role of this variant in disease. Therefore, it has been classified as a Variant of Uncertain Significance.

NM_006158.5(NEFL):c.586C>A (p.Arg196Ser)

Gene: NEFL (neurofilament light chain; minus strand). Cytogenetic location: 8p21.2.
Variant type: single nucleotide variant.
Coding change: c.586C>A on transcript NM_006158.5 (MANE Select); coding-DNA position 586, C replaced by A.
Protein change: p.Arg196Ser; replaces arginine 196 with serine.
Molecular consequence: missense variant.
Genome position (GRCh38, 1-based): chr8:24,955,930, G>T on the plus strand (C>A on the coding strand, the complement: NEFL is on the minus strand). VCF-style: chr8-24955930-G-T. GRCh37 (hg19) VCF-style: chr8-24813444-G-T.
Other names: short protein forms R196S.
Identifiers: ClinVar variation 2709445 (VCV002709445.3), dbSNP rs1474708490, ClinGen allele CA370622076.